The following is an entry in ClinVar:

ClinVar aggregate classification (germline): Pathogenic (1 of 4 stars; one submission).

Conditions:
Familial cancer of breast. Also called: Hereditary breast cancer; BREAST CANCER, FAMILIAL; hereditary breast carcinoma. Identifiers: Orphanet 227535, MedGen C0346153, MONDO:0016419, OMIM 114480. Disease mechanism: loss of function.

Submission:

Myriad Genetics, Inc.
Classification: Pathogenic for Familial cancer of breast. Last evaluated: 2023-10-10. Review status: criteria provided, single submitter. Criteria: Myriad Autosomal Dominant, Autosomal Recessive and X-Linked Classification Criteria (2023). Collection method: clinical testing. Allele origin: unknown.
Comment: This variant is considered pathogenic. This variant creates a frameshift predicted to result in premature protein truncation.

NM_000051.4(ATM):c.5205del (p.Cys1736fs)

Gene: ATM (ATM serine/threonine kinase; plus strand). Cytogenetic location: 11q22.3.
Variant type: Deletion.
Coding change: c.5205del on transcript NM_000051.4 (MANE Select); coding-DNA position 5205, one base deleted (C; older notation c.5205delC).
Protein change: p.Cys1736fs; shifts the reading frame from cysteine 1736.
Molecular consequence: frameshift variant.
Genome position (GRCh38, 1-based): chr11:108,301,675, C deleted; the last of 2 consecutive C bases (chr11:108,301,674-108,301,675); deleting either gives the same sequence. VCF-style (leftmost placement, unchanged base first): chr11-108301673-AC-A. GRCh37 (hg19) VCF-style: chr11-108172400-AC-A.
Other names: c.5205del, p.Cys1736fs (NM_001351834.2); short protein forms C1736fs.
Identifiers: ClinVar variation 2673979 (VCV002673979.1), dbSNP rs2546972933, ClinGen allele CA2695199004.